The following is an entry in ClinVar:

ClinVar aggregate classification (germline): Uncertain significance (1 of 4 stars; one submission).

Conditions:
Inborn genetic diseases. Identifiers: MedGen C0950123, MeSH D030342.

gnomAD v4.1: 2 of 1,613,814 alleles (0.00012%); highest among the groups gnomAD compares: African/African-American, 0.0013%; no homozygotes.

Submission:

Ambry Genetics
Classification: Uncertain significance for Inborn genetic diseases. Last evaluated: 2025-01-17. Review status: criteria provided, single submitter. Criteria: Ambry Variant Classification Scheme 2023. Collection method: clinical testing. Allele origin: germline.
Comment: The p.R309P variant (also known as c.926G>C), located in coding exon 7 of the DNMT3A gene, results from a G to C substitution at nucleotide position 926. The arginine at codon 309 is replaced by proline, an amino acid with dissimilar properties. This amino acid position is conserved. In addition, this alteration is predicted to be deleterious by in silico analysis. Based on the available evidence, the clinical significance of this variant remains unclear.

NM_022552.5(DNMT3A):c.926G>C (p.Arg309Pro)

Gene: DNMT3A (DNA methyltransferase 3 alpha; minus strand). Cytogenetic location: 2p23.3.
Variant type: single nucleotide variant.
Coding change: c.926G>C on transcript NM_022552.5 (MANE Select); coding-DNA position 926, G replaced by C.
Protein change: p.Arg309Pro; replaces arginine 309 with proline.
Molecular consequence: missense variant. On other transcripts: non-coding transcript variant (1).
Genome position (GRCh38, 1-based): chr2:25,247,679, C>G on the plus strand (G>C on the coding strand, the complement: DNMT3A is on the minus strand). VCF-style: chr2-25247679-C-G. GRCh37 (hg19) VCF-style: chr2-25470548-C-G.
Other names: c.470G>C, p.Arg157Pro (NM_001320893.1); c.257G>C, p.Arg86Pro (NM_001375819.1); c.359G>C, p.Arg120Pro (NM_153759.3); c.926G>C, p.Arg309Pro (NM_175629.2); short protein forms R120P, R86P, R157P, R309P.
Identifiers: ClinVar variation 3841762 (VCV003841762.1).
Genomic context (GRCh38, chr2:25,247,679, plus strand): 5'-ATGACCCAGCGGGTGCCTTCAGCTGCTCGGCTCCGGCCCGTCATCCACCAAGACACAATG[C>G]GGCCTGGCCACCAGGAGAAGCCCCGCAGTTTCCCCCACACCAGCTCCCCAATGCCAAAGC-3'
Protein context (NP_072046.2, residues 299-319): KLRGFSWWPG[Arg309Pro]IVSWWMTGRS